The following is an entry in ClinVar:

ClinVar aggregate classification (germline): Uncertain significance (1 of 4 stars; one submission).

gnomAD v4.1: 1 of 1,210,843 alleles (0.000083%); no homozygotes.

Submission:

Women's Health and Genetics/Laboratory Corporation of America, LabCorp
Classification: Uncertain significance. Last evaluated: 2025-10-08. Review status: criteria provided, single submitter. Criteria: LabCorp Variant Classification Summary - May 2015. Collection method: clinical testing. Allele origin: germline.
Comment: Variant summary: KLHL15 c.82G>C (p.Gly28Arg) results in a non-conservative amino acid change located in the BTB/POZ domain (IPR000210) of the encoded protein sequence. Algorithms developed to predict the effect of missense changes on protein structure and function are either unavailable or do not agree on the potential impact of this missense change. The variant was absent in 183289 control chromosomes. The available data on variant occurrences in the general population are insufficient to allow any conclusion about variant significance. To our knowledge, no occurrence of c.82G>C in individuals affected with KLHL15-related conditions and no experimental evidence demonstrating its impact on protein function have been reported. ClinVar contains an entry for this variant (Variation ID: 3339648). Based on the evidence outlined above, the variant was classified as uncertain significance.

NM_030624.3(KLHL15):c.82G>C (p.Gly28Arg)

Gene: KLHL15 (kelch like family member 15; minus strand). Cytogenetic location: Xp22.11.
Variant type: single nucleotide variant.
Coding change: c.82G>C on transcript NM_030624.3 (MANE Select); coding-DNA position 82, G replaced by C.
Protein change: p.Gly28Arg; replaces glycine 28 with arginine.
Molecular consequence: missense variant.
Genome position (GRCh38, 1-based): chrX:24,006,612, C>G on the plus strand (G>C on the coding strand, the complement: KLHL15 is on the minus strand). VCF-style: chrX-24006612-C-G. GRCh37 (hg19) VCF-style: chrX-24024729-C-G.
Other names: short protein forms G28R.
Identifiers: ClinVar variation 3339648 (VCV003339648.3).